The following is an entry in ClinVar:

NM_007194.4(CHEK2):c.1101_1102del (p.Asp368fs)

Gene: CHEK2 (checkpoint kinase 2; minus strand). Cytogenetic location: 22q12.1.
Variant type: Deletion.
Coding change: c.1101_1102del on transcript NM_007194.4 (MANE Select); coding-DNA positions 1101 to 1102, 2 bases deleted (TG; older notation c.1101_1102delTG).
Protein change: p.Asp368fs; shifts the reading frame from aspartic acid 368.
Molecular consequence: frameshift variant.
Genome position (GRCh38, 1-based): chr22:28,695,867-28,695,868, CA deleted on the plus strand (TG on the coding strand, the reverse complement: CHEK2 is on the minus strand). VCF-style (leftmost placement, unchanged base first): chr22-28695866-TCA-T. GRCh37 (hg19) VCF-style: chr22-29091854-TCA-T.
Other names: c.1230_1231del, p.Asp411fs (NM_001005735.3); c.438_439del, p.Asp147fs (NM_001257387.3, NM_001437942.1); c.900_901del, p.Asp301fs (NM_001349956.3); c.1194_1195del, p.Asp399fs (NM_001438293.1); c.1143_1144del, p.Asp382fs (NM_001438294.1); c.1107_1108del, p.Asp370fs (NM_001438295.1); c.1014_1015del, p.Asp339fs (NM_145862.3); short protein forms D147fs, D368fs, D370fs, D382fs, D411fs, D301fs, D399fs, D339fs.
Identifiers: ClinVar variation 5034558 (VCV005034558.1).

ClinVar aggregate classification (germline): Pathogenic (1 of 4 stars; one submission).

Conditions:
Hereditary cancer-predisposing syndrome. Also called: Hereditary Cancer Syndrome; Neoplastic Syndromes, Hereditary; Tumor predisposition; Hereditary neoplastic syndrome. Identifiers: Orphanet 140162, MedGen C0027672, MeSH D009386, MONDO:0015356.

Submission:

Ambry Genetics
Classification: Pathogenic for Hereditary cancer-predisposing syndrome. Last evaluated: 2026-07-22. Review status: criteria provided, single submitter. Criteria: Ambry Variant Classification Scheme 2023. Collection method: clinical testing. Allele origin: germline.
Comment: The c.1101_1102delTG pathogenic mutation, located in coding exon 10 of the CHEK2 gene, results from a deletion of two nucleotides at nucleotide positions 1101 to 1102, causing a translational frameshift with a predicted alternate stop codon (p.D368Ffs*26). This variant is considered to be rare based on population cohorts in the Genome Aggregation Database (gnomAD). This alteration is expected to result in loss of function by premature protein truncation or nonsense-mediated mRNA decay. As such, this alteration is interpreted as a disease-causing mutation.